The following is an entry in ClinVar:

ClinVar aggregate classification (germline): Uncertain significance (1 of 4 stars; one submission).

Submission:

GeneDx
Classification: Uncertain significance. Last evaluated: 2025-03-13. Review status: criteria provided, single submitter. Criteria: GeneDx Variant Classification Process June 2021. Collection method: clinical testing. Allele origin: germline. Affected: yes.
Comment: Not observed at significant frequency in large population cohorts (gnomAD); In silico analysis supports that this missense variant has a deleterious effect on protein structure/function; Has not been previously published as pathogenic or benign to our knowledge

NM_004380.3(CREBBP):c.1208C>T (p.Ala403Val)

Gene: CREBBP (CREB binding lysine acetyltransferase; minus strand). Cytogenetic location: 16p13.3.
Variant type: single nucleotide variant.
Coding change: c.1208C>T on transcript NM_004380.3 (MANE Select); coding-DNA position 1208, C replaced by T.
Protein change: p.Ala403Val; replaces alanine 403 with valine.
Molecular consequence: missense variant.
Genome position (GRCh38, 1-based): chr16:3,793,394, G>A on the plus strand (C>T on the coding strand, the complement: CREBBP is on the minus strand). VCF-style: chr16-3793394-G-A. GRCh37 (hg19) VCF-style: chr16-3843395-G-A.
Other names: c.1208C>T, p.Ala403Val (NM_001079846.1); short protein forms A403V.
Identifiers: ClinVar variation 4083359 (VCV004083359.1).